The following is an entry in ClinVar:

NM_001035.3(RYR2):c.1663C>G (p.Leu555Val)

Gene: RYR2 (ryanodine receptor 2; plus strand). Cytogenetic location: 1q43.
Variant type: single nucleotide variant.
Coding change: c.1663C>G on transcript NM_001035.3 (MANE Select); coding-DNA position 1663, C replaced by G.
Protein change: p.Leu555Val; replaces leucine 555 with valine.
Molecular consequence: missense variant.
Genome position (GRCh38, 1-based): chr1:237,469,142, C>G. VCF-style: chr1-237469142-C-G. GRCh37 (hg19) VCF-style: chr1-237632442-C-G.
Other names: short protein forms L555V.
Identifiers: ClinVar variation 3069621 (VCV003069621.1), dbSNP rs769320446, ClinGen allele CA085859.

ClinVar aggregate classification (germline): Uncertain significance (1 of 4 stars; one submission).

Conditions:
Catecholaminergic polymorphic ventricular tachycardia (CVPT). Also called: Catecholamine-induced polymorphic ventricular tachycardia. Identifiers: Orphanet 3286, MedGen C5574922, MONDO:0017990.

Allele frequency attached by ClinVar (database versions not stated): gnomAD exomes below 0.00001; ExAC 0.00001.
gnomAD v4.1: 2 of 1,612,352 alleles (0.00012%); highest among the groups gnomAD compares: South Asian, 0.0011%; no homozygotes.

Submission:

All of Us Research Program, National Institutes of Health
Classification: Uncertain significance for Catecholaminergic polymorphic ventricular tachycardia. Last evaluated: 2023-02-24. Review status: criteria provided, single submitter. Criteria: ACMG Guidelines, 2015. Collection method: clinical testing. Allele origin: germline. Inheritance: Autosomal dominant inheritance. Observed: 1 variant allele, 1 heterozygote.
Comment: This missense variant replaces leucine with valine at codon 555 of the RYR2 protein. Computational prediction suggests that this variant may have deleterious impact on protein structure and function (internally defined REVEL score threshold >= 0.7, PMID: 27666373). To our knowledge, functional studies have not been reported for this variant. This variant has been reported in an individual affected with drug-induced long QT syndrome (PMID: 22584458). This variant has been identified in 1/248726 chromosomes in the general population by the Genome Aggregation Database (gnomAD). The available evidence is insufficient to determine the role of this variant in disease conclusively. Therefore, this variant is classified as a Variant of Uncertain Significance.

This study involves interpretation of variants in research participants for the purpose of population health screening. Participant phenotype was not available at the time of variant classification. Additional details can be found in publication PMID: 35346344, PMCID: PMC8962531

Literature cited by the submitters: PubMed 22584458.